The following is an entry in ClinVar:

ClinVar aggregate classification (germline): Uncertain significance. Review status: criteria provided, multiple submitters, no conflicts (2 of 4 stars). 3 submissions from 3 submitters: Uncertain significance (3). Last evaluated 2026-01-13.

Conditions:
Hereditary cancer-predisposing syndrome. Also called: Neoplastic Syndromes, Hereditary; Tumor predisposition; Hereditary neoplastic syndrome; Hereditary Cancer Syndrome. Identifiers: Orphanet 140162, MedGen C0027672, MeSH D009386, MONDO:0015356.

gnomAD v4.1: 7 of 1,613,888 alleles (0.00043%); highest among the groups gnomAD compares: African/African-American, 0.0013%; no homozygotes.

Submissions (3):

Ambry Genetics
Classification: Uncertain significance for Hereditary cancer-predisposing syndrome. Last evaluated: 2026-01-13. Review status: criteria provided, single submitter. Criteria: Ambry Variant Classification Scheme 2023. Collection method: clinical testing. Allele origin: germline.
Comment: The p.H422D variant (also known as c.1264C>G), located in coding exon 13 of the POLE gene, results from a C to G substitution at nucleotide position 1264. The histidine at codon 422 is replaced by aspartic acid, an amino acid with similar properties. This amino acid position is highly conserved in available vertebrate species. In addition, the in silico prediction for this alteration is inconclusive. Since supporting evidence is limited at this time, the clinical significance of this alteration remains unclear.

Labcorp Genetics (formerly Invitae), Labcorp
Classification: Uncertain significance. Last evaluated: 2025-08-25. Review status: criteria provided, single submitter. Criteria: Invitae Variant Classification Sherloc (09022015). Collection method: clinical testing. Allele origin: germline.
Comment: This sequence change replaces histidine, which is basic and polar, with aspartic acid, which is acidic and polar, at codon 422 of the POLE protein (p.His422Asp). This variant is not present in population databases (gnomAD no frequency). This variant has not been reported in the literature in individuals affected with POLE-related conditions. ClinVar contains an entry for this variant (Variation ID: 405630). Invitae Evidence Modeling of protein sequence and biophysical properties (such as structural, functional, and spatial information, amino acid conservation, physicochemical variation, residue mobility, and thermodynamic stability) indicates that this missense variant is expected to disrupt POLE protein function with a positive predictive value of 80%. In summary, the available evidence is currently insufficient to determine the role of this variant in disease. Therefore, it has been classified as a Variant of Uncertain Significance.

Mendelics
Classification: Uncertain significance. Last evaluated: 2022-05-04. Review status: criteria provided, single submitter. Criteria: Mendelics Assertion Criteria 2019. Collection method: clinical testing. Allele origin: germline.

NM_006231.4(POLE):c.1264C>G (p.His422Asp)

Gene: POLE (DNA polymerase epsilon, catalytic subunit; minus strand). Cytogenetic location: 12q24.33.
Variant type: single nucleotide variant.
Coding change: c.1264C>G on transcript NM_006231.4 (MANE Select); coding-DNA position 1264, C replaced by G.
Protein change: p.His422Asp; replaces histidine 422 with aspartic acid.
Molecular consequence: missense variant.
Genome position (GRCh38, 1-based): chr12:132,673,670, G>C on the plus strand (C>G on the coding strand, the complement: POLE is on the minus strand). VCF-style: chr12-132673670-G-C. GRCh37 (hg19) VCF-style: chr12-133250256-G-C.
Other names: short protein forms H422D.
Identifiers: ClinVar variation 405630 (VCV000405630.11), dbSNP rs745356467, ClinGen allele CA16613650.